The following is an entry in ClinVar:

ClinVar aggregate classification (germline): Benign/Likely benign. Review status: criteria provided, multiple submitters, no conflicts (2 of 4 stars). 6 submissions from 6 submitters: Benign (2); Likely benign (3). 1 of the submissions does not count toward it. Last evaluated 2026-07-01.

Conditions:
SATB2-related disorder. Also called: SATB2-related condition.
Inborn genetic diseases. Identifiers: MedGen C0950123, MeSH D030342.
Chromosome 2q32-q33 deletion syndrome (GLASS). Also called: Glass syndrome; 2q33.1 deletion syndrome. Identifiers: Orphanet 251019, MedGen C2676739, MONDO:0012864, OMIM 612313.

Allele frequency attached by ClinVar (database versions not stated): gnomAD exomes 0.00016 and 0.00031; ExAC 0.00034; gnomAD 0.00067 and 0.00070; ESP Exome Variant Server 0.00069; TOPMed 0.00085; 1000 Genomes Project 30x 0.00156; 1000 Genomes Project 0.00160.
gnomAD v4.1: 357 of 1,614,090 alleles (0.022%); highest among the groups gnomAD compares: African/African-American, 0.16%; 1 homozygote.

Submissions (6):

CeGaT Center for Human Genetics Tuebingen
Classification: Likely benign. Last evaluated: 2026-07-01. Review status: criteria provided, single submitter. Criteria: CeGaT Center For Human Genetics Tuebingen Variant Classification Criteria Version 2. Collection method: clinical testing. Allele origin: germline. Affected: yes. Observed: 4 variant alleles.
Comment: SATB2: BP4, BP7, BS1

Labcorp Genetics (formerly Invitae), Labcorp
Classification: Benign for Chromosome 2q32-q33 deletion syndrome. Last evaluated: 2026-01-28. Review status: criteria provided, single submitter. Criteria: Invitae Variant Classification Sherloc (09022015). Collection method: clinical testing. Allele origin: germline.

GeneDx
Classification: Benign. Last evaluated: 2019-01-10. Review status: criteria provided, single submitter. Criteria: GeneDx Variant Classification Process June 2021. Collection method: clinical testing. Allele origin: germline. Affected: yes.

Ambry Genetics
Classification: Likely benign for Inborn genetic diseases. Last evaluated: 2016-10-18. Review status: criteria provided, single submitter. Criteria: Ambry Variant Classification Scheme 2023. Collection method: clinical testing. Allele origin: germline.

Breakthrough Genomics
Classification: Likely benign. Review status: criteria provided, single submitter. Criteria: ACMG Guidelines, 2015. Collection method: not provided. Allele origin: germline. Inheritance: Autosomal dominant inheritance. Affected: yes.

PreventionGenetics, part of Exact Sciences
Classification: Likely benign for SATB2-related condition. Last evaluated: 2019-10-28. Review status: no assertion criteria provided. Collection method: clinical testing. Allele origin: germline. Not counted in ClinVar's aggregate classification.
Comment: This variant is classified as likely benign based on ACMG/AMP sequence variant interpretation guidelines (Richards et al. 2015 PMID: 25741868, with internal and published modifications).

NM_001172509.2(SATB2):c.210C>T (p.Asp70=)

Gene: SATB2 (SATB homeobox 2; minus strand). Cytogenetic location: 2q33.1.
Variant type: single nucleotide variant.
Coding change: c.210C>T on transcript NM_001172509.2 (MANE Select); coding-DNA position 210, C replaced by T.
Protein change: p.Asp70=; no amino-acid change (aspartic acid 70 retained).
Molecular consequence: synonymous variant. On other transcripts: non-coding transcript variant (1).
Genome position (GRCh38, 1-based): chr2:199,433,474, G>A on the plus strand (C>T on the coding strand, the complement: SATB2 is on the minus strand). VCF-style: chr2-199433474-G-A. GRCh37 (hg19) VCF-style: chr2-200298197-G-A.
Other names: c.210C>T, p.Asp70= (NM_001172517.1, NM_015265.4).
Identifiers: ClinVar variation 469551 (VCV000469551.43), dbSNP rs34311963, ClinGen allele CA2046137.